The following is an entry in ClinVar:

NM_001369268.1(ACAN):c.7498AAG[1] (p.Lys2501del)

Gene: ACAN (aggrecan; plus strand). Cytogenetic location: 15q26.1.
Variant type: Microsatellite.
Coding change: c.7498AAG[1] on transcript NM_001369268.1 (MANE Select); one copy of the 3-base unit AAG starting at c.7498; the reference has two copies in a row; one copy, 3 bases deleted.
Protein change: p.Lys2501del; deletes lysine 2501.
Molecular consequence: inframe deletion. On other transcripts: intron variant (1).
Genome position (GRCh38, 1-based): chr15:88,873,895-88,873,897, AAG deleted; deleting any 3 consecutive bases within chr15:88,873,890-88,873,897 gives the same sequence; the position shown is the placement nearest the transcript's 3' end. VCF-style (leftmost placement, unchanged base first): chr15-88873889-CAGA-C. GRCh37 (hg19) VCF-style: chr15-89417120-CAGA-C.
Other names: c.7384AAG[1], p.Lys2463del (NM_013227.4); c.7220-510_7220-508del (NM_001135.4); short protein forms K2463del, K2501del.
Identifiers: ClinVar variation 1465458 (VCV001465458.8), dbSNP rs765929803, ClinGen allele CA7720712.

ClinVar aggregate classification (germline): Uncertain significance (1 of 4 stars; one submission).

Submission:

Labcorp Genetics (formerly Invitae), Labcorp
Classification: Uncertain significance. Last evaluated: 2023-09-17. Review status: criteria provided, single submitter. Criteria: Invitae Variant Classification Sherloc (09022015). Collection method: clinical testing. Allele origin: germline.
Comment: In summary, the available evidence is currently insufficient to determine the role of this variant in disease. Therefore, it has been classified as a Variant of Uncertain Significance. Experimental studies and prediction algorithms are not available or were not evaluated, and the functional significance of this variant is currently unknown. This variant has not been reported in the literature in individuals affected with ACAN-related conditions. This variant is present in population databases (rs765929803, gnomAD 0.007%). This variant, c.7387_7389del, results in the deletion of 1 amino acid(s) of the ACAN protein (p.Lys2463del), but otherwise preserves the integrity of the reading frame.